The following is an entry in ClinVar:

NM_032888.4(COL27A1):c.3995A>G (p.Gln1332Arg)

Genes: COL27A1 (collagen type XXVII alpha 1 chain; plus strand), LOC126860736 (MED14-independent group 3 enhancer GRCh37_chr9:117050487-117051686; plus strand). Cytogenetic location: 9q32.
Variant type: single nucleotide variant.
Coding change: c.3995A>G on transcript NM_032888.4 (MANE Select); coding-DNA position 3995, A replaced by G.
Protein change: p.Gln1332Arg; replaces glutamine 1332 with arginine.
Molecular consequence: missense variant.
Genome position (GRCh38, 1-based): chr9:114,288,462, A>G. VCF-style: chr9-114288462-A-G. GRCh37 (hg19) VCF-style: chr9-117050742-A-G.
Other names: short protein forms Q1332R.
Identifiers: ClinVar variation 2140370 (VCV002140370.1), dbSNP rs775862478, ClinGen allele CA5202728.
Genomic context (GRCh38, chr9:114,288,462, plus strand): 5'-CCACATTCCCCAGGAGCAGGCGGTTTGCCCTAAAGCTGGTTCTGTGTCCACAGGGGGAGC[A>G]GGGCGAGGACGGCAAGGCTGAGGGGCCCCCTGGGCCACCTGGAGATCGGGTAAGCCCCCT-3'
Protein context (NP_116277.2, residues 1322-1342): PPGPKGEKGE[Gln1332Arg]GEDGKAEGPP

ClinVar aggregate classification (germline): Uncertain significance (1 of 4 stars; one submission).

Allele frequency attached by ClinVar (database versions not stated): gnomAD 0.00001; gnomAD exomes 0.00002; ExAC 0.00003.
gnomAD v4.1: 24 of 1,610,076 alleles (0.0015%); highest among the groups gnomAD compares: South Asian, 0.026%; no homozygotes.

Submission:

Labcorp Genetics (formerly Invitae), Labcorp
Classification: Uncertain significance. Last evaluated: 2022-04-21. Review status: criteria provided, single submitter. Criteria: Invitae Variant Classification Sherloc (09022015). Collection method: clinical testing. Allele origin: germline.
Comment: This sequence change replaces glutamine, which is neutral and polar, with arginine, which is basic and polar, at codon 1332 of the COL27A1 protein (p.Gln1332Arg). This variant is present in population databases (rs775862478, gnomAD 0.03%). This variant has not been reported in the literature in individuals affected with COL27A1-related conditions. Advanced modeling of protein sequence and biophysical properties (such as structural, functional, and spatial information, amino acid conservation, physicochemical variation, residue mobility, and thermodynamic stability) performed at Invitae indicates that this missense variant is not expected to disrupt COL27A1 protein function. In summary, the available evidence is currently insufficient to determine the role of this variant in disease. Therefore, it has been classified as a Variant of Uncertain Significance.